The following is an entry in ClinVar:

ClinVar aggregate classification (germline): Uncertain significance. Review status: criteria provided, multiple submitters, no conflicts (2 of 4 stars). 2 submissions from 2 submitters: Uncertain significance (2). Last evaluated 2025-03-23.

Conditions:
Hereditary cancer-predisposing syndrome. Also called: Neoplastic Syndromes, Hereditary; Hereditary Cancer Syndrome; Hereditary neoplastic syndrome; Tumor predisposition. Identifiers: Orphanet 140162, MedGen C0027672, MeSH D009386, MONDO:0015356.
Retinoblastoma (RB1). Also called: RETINOBLASTOMA, SOMATIC. Identifiers: Orphanet 790, MedGen C0035335, MeSH D012175, MONDO:0008380, OMIM 180200, HP:0009919. Disease mechanism: loss of function. Inheritance: Both sporadic and heritable forms are tested..

Submissions (2):

Labcorp Genetics (formerly Invitae), Labcorp
Classification: Uncertain significance for Retinoblastoma. Last evaluated: 2025-03-23. Review status: criteria provided, single submitter. Criteria: Invitae Variant Classification Sherloc (09022015). Collection method: clinical testing. Allele origin: germline.
Comment: This sequence change replaces aspartic acid, which is acidic and polar, with asparagine, which is neutral and polar, at codon 338 of the RB1 protein (p.Asp338Asn). This variant is not present in population databases (gnomAD no frequency). This variant has not been reported in the literature in individuals affected with RB1-related conditions. ClinVar contains an entry for this variant (Variation ID: 2565231). Invitae Evidence Modeling of protein sequence and biophysical properties (such as structural, functional, and spatial information, amino acid conservation, physicochemical variation, residue mobility, and thermodynamic stability) indicates that this missense variant is not expected to disrupt RB1 protein function with a negative predictive value of 80%. In summary, the available evidence is currently insufficient to determine the role of this variant in disease. Therefore, it has been classified as a Variant of Uncertain Significance.

Ambry Genetics
Classification: Uncertain significance for Hereditary cancer-predisposing syndrome. Last evaluated: 2023-05-28. Review status: criteria provided, single submitter. Criteria: Ambry Variant Classification Scheme 2023. Collection method: clinical testing. Allele origin: germline.
Comment: The p.D338N variant (also known as c.1012G>A), located in coding exon 10 of the RB1 gene, results from a G to A substitution at nucleotide position 1012. The aspartic acid at codon 338 is replaced by asparagine, an amino acid with highly similar properties. This amino acid position is well conserved in available vertebrate species. In addition, this alteration is predicted to be tolerated by in silico analysis. Since supporting evidence is limited at this time, the clinical significance of this alteration remains unclear.

NM_000321.3(RB1):c.1012G>A (p.Asp338Asn)

Gene: RB1 (RB transcriptional corepressor 1; plus strand). Cytogenetic location: 13q14.2.
Variant type: single nucleotide variant.
Coding change: c.1012G>A on transcript NM_000321.3 (MANE Select); coding-DNA position 1012, G replaced by A.
Protein change: p.Asp338Asn; replaces aspartic acid 338 with asparagine.
Molecular consequence: missense variant.
Genome position (GRCh38, 1-based): chr13:48,367,566, G>A. VCF-style: chr13-48367566-G-A. GRCh37 (hg19) VCF-style: chr13-48941702-G-A.
Other names: c.1012G>A, p.Asp338Asn (NM_001407165.1, NM_001407166.1); short protein forms D338N.
Identifiers: ClinVar variation 2565231 (VCV002565231.3), dbSNP rs2138121365, ClinGen allele CA388160810.
Genomic context (GRCh38, chr13:48,367,566, plus strand): 5'-TCTAAACGATACGAAGAAATTTATCTTAAAAATAAAGATCTAGATGCAAGATTATTTTTG[G>A]ATCATGATAAAACTCTTCAGACTGATTCTATAGACAGGTATTGCACATGGTATATTTGAT-3'
Protein context (NP_000312.2, residues 328-348): NKDLDARLFL[Asp338Asn]HDKTLQTDSI